The following is an entry in ClinVar:

ClinVar aggregate classification (germline): Uncertain significance (1 of 4 stars; one submission).

Allele frequency attached by ClinVar (database versions not stated): gnomAD 0.00001; gnomAD exomes below 0.00001.

Submission:

Labcorp Genetics (formerly Invitae), Labcorp
Classification: Uncertain significance. Last evaluated: 2025-12-15. Review status: criteria provided, single submitter. Criteria: Invitae Variant Classification Sherloc (09022015). Collection method: clinical testing. Allele origin: germline.
Comment: This variant, c.4459_4461del, results in the deletion of 1 amino acid(s) of the NIN protein (p.Lys1487del), but otherwise preserves the integrity of the reading frame. This variant is present in population databases (no rsID available, gnomAD 0.007%). This variant has not been reported in the literature in individuals affected with NIN-related conditions. ClinVar contains an entry for this variant (Variation ID: 2987914). Experimental studies and prediction algorithms are not available or were not evaluated, and the functional significance of this variant is currently unknown. In summary, the available evidence is currently insufficient to determine the role of this variant in disease. Therefore, it has been classified as a Variant of Uncertain Significance.

NM_020921.4(NIN):c.4459_4461del (p.Lys1487del)

Gene: NIN (ninein; minus strand). Cytogenetic location: 14q22.1.
Variant type: Deletion.
Coding change: c.4459_4461del on transcript NM_020921.4 (MANE Select); coding-DNA positions 4459 to 4461, 3 bases deleted (AAG; older notation c.4459_4461delAAG).
Protein change: p.Lys1487del; deletes lysine 1487.
Molecular consequence: inframe deletion. On other transcripts: intron variant (1).
Genome position (GRCh38, 1-based): chr14:50,756,569-50,756,571, CTT deleted on the plus strand (AAG on the coding strand, the reverse complement: NIN is on the minus strand). VCF-style (leftmost placement, unchanged base first): chr14-50756568-CCTT-C. GRCh37 (hg19) VCF-style: chr14-51223286-CCTT-C.
Other names: c.4459_4461del, p.Lys1487del (NM_182944.3, NM_182946.2); c.2400-1704_2400-1702del (NM_016350.5); short protein forms K1487del.
Identifiers: ClinVar variation 2987914 (VCV002987914.3), dbSNP rs1184882895, ClinGen allele CA614274915.
Genomic context (GRCh38, chr14:50,756,568, plus strand): 5'-TTTGCTGCATCTCACTGCACGTGATCTGCAAGTCATGCATCATTGCCTTCAGCTCTTCCT[CCTT>C]TTCTCCGTGAGAAAGTACATCTTTTTGCTTAACTAAAATAGTGACTCTCTCCTTCAACTT-3'